The following is an entry in ClinVar:

NM_021098.3(CACNA1H):c.1567CAC[9] (p.His528_Tyr529insHisHisHis)

Gene: CACNA1H (calcium voltage-gated channel subunit alpha1 H; plus strand). Cytogenetic location: 16p13.3.
Variant type: Microsatellite.
Coding change: c.1567CAC[9] on transcript NM_021098.3 (MANE Select); nine copies in a row of the 3-base unit CAC starting at c.1567; the reference has six copies in a row; three copies, 9 bases duplicated.
Protein change: p.His528_Tyr529insHisHisHis.
Genome position (GRCh38, 1-based): chr16:1,202,026-1,202,034, CACCACCAC duplicated; duplicating any 9 consecutive bases within chr16:1,202,017-1,202,034 gives the same sequence; the position shown is the placement nearest the transcript's 3' end. VCF-style (leftmost placement, unchanged base first): chr16-1202016-T-TCACCACCAC. GRCh37 (hg19) VCF-style: chr16-1252016-T-TCACCACCAC.
Other names: c.1567CAC[9], p.His528_Tyr529insHisHisHis (NM_001005407.2).
Identifiers: ClinVar variation 3361124 (VCV003361124.1).

ClinVar aggregate classification (germline): Uncertain significance (1 of 4 stars; one submission).

Submission:

GeneDx
Classification: Uncertain significance. Last evaluated: 2023-07-18. Review status: criteria provided, single submitter. Criteria: GeneDx Variant Classification Process June 2021. Collection method: clinical testing. Allele origin: germline. Affected: yes.
Comment: In-frame insertion of 3 amino acids in a non-repeat region; Not observed at significant frequency in large population cohorts (gnomAD); Has not been previously published as pathogenic or benign to our knowledge